The following is an entry in ClinVar:

ClinVar aggregate classification (germline): Likely benign. Review status: criteria provided, multiple submitters, no conflicts (2 of 4 stars). 2 submissions from 2 submitters: Likely benign (2). Last evaluated 2026-02-01.

Allele frequency attached by ClinVar (database versions not stated): ExAC 0.00003; gnomAD 0.00004; gnomAD exomes 0.00005 and 0.00011; TOPMed 0.00005; ESP Exome Variant Server 0.00008.
gnomAD v4.1: 170 of 1,614,044 alleles (0.011%); highest among the groups gnomAD compares: Non-Finnish European, 0.014%; no homozygotes.

Submissions (2):

CeGaT Center for Human Genetics Tuebingen
Classification: Likely benign. Last evaluated: 2026-02-01. Review status: criteria provided, single submitter. Criteria: CeGaT Center For Human Genetics Tuebingen Variant Classification Criteria Version 2. Collection method: clinical testing. Allele origin: germline. Affected: yes. Observed: 1 variant allele.
Comment: LAMC3: BP4, BP7

Labcorp Genetics (formerly Invitae), Labcorp
Classification: Likely benign. Last evaluated: 2025-07-07. Review status: criteria provided, single submitter. Criteria: Invitae Variant Classification Sherloc (09022015). Collection method: clinical testing. Allele origin: germline.

NM_006059.4(LAMC3):c.2094G>A (p.Gly698=)

Gene: LAMC3 (laminin subunit gamma 3; plus strand). Cytogenetic location: 9q34.12.
Variant type: single nucleotide variant.
Coding change: c.2094G>A on transcript NM_006059.4 (MANE Select); coding-DNA position 2094, G replaced by A.
Protein change: p.Gly698=; no amino-acid change (glycine 698 retained).
Molecular consequence: synonymous variant.
Genome position (GRCh38, 1-based): chr9:131,057,083, G>A. VCF-style: chr9-131057083-G-A. GRCh37 (hg19) VCF-style: chr9-133932470-G-A.
Identifiers: ClinVar variation 1615582 (VCV001615582.12), dbSNP rs376929781, ClinGen allele CA5287314.